The following is an entry in ClinVar:

NM_001040142.2(SCN2A):c.*2440C>G

Gene: SCN2A (sodium voltage-gated channel alpha subunit 2; plus strand). Cytogenetic location: 2q24.3.
Variant type: single nucleotide variant.
Coding change: c.*2440C>G on transcript NM_001040142.2 (MANE Select); 2440 bases downstream of the stop codon, C replaced by G.
Molecular consequence: 3 prime UTR variant.
Genome position (GRCh38, 1-based): chr2:165,392,264, C>G. VCF-style: chr2-165392264-C-G. GRCh37 (hg19) VCF-style: chr2-166248774-C-G.
Other names: c.*2440C>G (NM_001040143.2, NM_001371246.1, NM_001371247.1 and 1 more transcripts).
Identifiers: ClinVar variation 331767 (VCV000331767.5), dbSNP rs73972504, ClinGen allele CA10611123.

ClinVar aggregate classification (germline): Benign (1 of 4 stars; one submission).

Conditions:
Seizures, benign familial infantile, 3 (BFIS3). Also called: CONVULSIONS, BENIGN FAMILIAL INFANTILE, 3; Familial neonatal seizures. Identifiers: Orphanet 140927, Orphanet 306, MedGen C1843140, MONDO:0011904, OMIM 607745.

Allele frequency attached by ClinVar (database versions not stated): 1000 Genomes Project 0.01657; 1000 Genomes Project 30x 0.01671; gnomAD 0.01799 and 0.01941; TOPMed 0.02080.

Submission:

Illumina Laboratory Services, Illumina
Classification: Benign for Seizures, benign familial infantile, 3. Last evaluated: 2018-01-13. Review status: criteria provided, single submitter. Criteria: ICSL Variant Classification Criteria 13 December 2019. Collection method: clinical testing. Allele origin: germline.
Comment: This variant was observed in the ICSL laboratory as part of a predisposition screen in an ostensibly healthy population. It had not been previously curated by ICSL or reported in the Human Gene Mutation Database (HGMD: prior to June 1st, 2018), and was therefore a candidate for classification through an automated scoring system. Utilizing variant allele frequency, disease prevalence and penetrance estimates, and inheritance mode, an automated score was calculated to assess if this variant is too frequent to cause the disease. Based on the score and internal cut-off values, a variant classified as benign is not then subjected to further curation. The score for this variant resulted in a classification of benign for this disease.